The following is an entry in ClinVar:

NM_003126.4(SPTA1):c.2320C>T (p.Arg774Ter)

Gene: SPTA1 (spectrin alpha, erythrocytic 1; minus strand). Cytogenetic location: 1q23.1.
Variant type: single nucleotide variant.
Coding change: c.2320C>T on transcript NM_003126.4 (MANE Select); coding-DNA position 2320, C replaced by T.
Protein change: p.Arg774Ter; replaces arginine 774 with a stop codon.
Molecular consequence: nonsense.
Genome position (GRCh38, 1-based): chr1:158,662,846, G>A on the plus strand (C>T on the coding strand, the complement: SPTA1 is on the minus strand). VCF-style: chr1-158662846-G-A. GRCh37 (hg19) VCF-style: chr1-158632636-G-A.
Other names: short protein forms R774*.
Identifiers: ClinVar variation 931603 (VCV000931603.6), dbSNP rs751026146, ClinGen allele CA1183440.

ClinVar aggregate classification (germline): Pathogenic/Likely pathogenic. Review status: criteria provided, multiple submitters, no conflicts (2 of 4 stars). 2 submissions from 2 submitters: Pathogenic (1); Likely pathogenic (1). Last evaluated 2023-06-08.

Conditions:
Elliptocytosis 2 (EL2). Also called: ELLIPTOCYTOSIS, RHESUS-UNLINKED TYPE. Identifiers: Orphanet 288, MedGen C1851741, MONDO:0007533, OMIM 130600.
Hereditary spherocytosis type 3. Also called: Spherocytosis type 3; SPTA1-Related Spherocytosis. Identifiers: Orphanet 822, MedGen C2678338, MONDO:0010053, OMIM 270970.

Allele frequency attached by ClinVar (database versions not stated): gnomAD exomes below 0.00001 and 0.00001; ExAC 0.00001; gnomAD 0.00001; TOPMed 0.00001.
gnomAD v4.1: 10 of 1,613,888 alleles (0.00062%); highest among the groups gnomAD compares: Non-Finnish European, 0.00076%; no homozygotes.

Submissions (2):

Revvity Omics, Revvity
Classification: Likely pathogenic. Last evaluated: 2023-06-08. Review status: criteria provided, single submitter. Criteria: ACMG Guidelines, 2015. Collection method: clinical testing. Allele origin: germline.

Centre for Mendelian Genomics, University Medical Centre Ljubljana
Classification: Pathogenic for Hereditary spherocytosis type 3. Last evaluated: 2019-09-04. Review status: criteria provided, single submitter. Criteria: ACMG Guidelines, 2015. Collection method: clinical testing. Allele origin: unknown. Affected: yes.
Comment: This variant was classified as: Pathogenic. The following ACMG criteria were applied in classifying this variant: PVS1,PM2,PP4.